The following is an entry in ClinVar:

NM_024675.4(PALB2):c.998C>T (p.Thr333Ile)

Gene: PALB2 (partner and localizer of BRCA2; minus strand). Cytogenetic location: 16p12.2.
Variant type: single nucleotide variant.
Coding change: c.998C>T on transcript NM_024675.4 (MANE Select); coding-DNA position 998, C replaced by T.
Protein change: p.Thr333Ile; replaces threonine 333 with isoleucine.
Molecular consequence: missense variant.
Genome position (GRCh38, 1-based): chr16:23,635,548, G>A on the plus strand (C>T on the coding strand, the complement: PALB2 is on the minus strand). VCF-style: chr16-23635548-G-A. GRCh37 (hg19) VCF-style: chr16-23646869-G-A.
Other names: short protein forms T333I.
Identifiers: ClinVar variation 571259 (VCV000571259.7), dbSNP rs1567221840, ClinGen allele CA395134633.

ClinVar aggregate classification (germline): Uncertain significance (1 of 4 stars; one submission).

Conditions:
Familial cancer of breast. Also called: hereditary breast carcinoma; BREAST CANCER, FAMILIAL; Hereditary breast cancer. Identifiers: Orphanet 227535, MedGen C0346153, MONDO:0016419, OMIM 114480. Disease mechanism: loss of function.

Submission:

Labcorp Genetics (formerly Invitae), Labcorp
Classification: Uncertain significance for Familial cancer of breast. Last evaluated: 2021-08-30. Review status: criteria provided, single submitter. Criteria: Invitae Variant Classification Sherloc (09022015). Collection method: clinical testing. Allele origin: germline.
Comment: This sequence change replaces threonine with isoleucine at codon 333 of the PALB2 protein (p.Thr333Ile). The threonine residue is moderately conserved and there is a moderate physicochemical difference between threonine and isoleucine. This variant is not present in population databases (ExAC no frequency). This variant has not been reported in the literature in individuals affected with PALB2-related conditions. Algorithms developed to predict the effect of missense changes on protein structure and function output the following: SIFT: "Tolerated"; PolyPhen-2: "Benign"; Align-GVGD: "Class C0". The isoleucine amino acid residue is found in multiple mammalian species, which suggests that this missense change does not adversely affect protein function. In summary, the available evidence is currently insufficient to determine the role of this variant in disease. Therefore, it has been classified as a Variant of Uncertain Significance.